The following is an entry in ClinVar:

NM_000383.4(AIRE):c.966_969dup (p.Ser324fs)

Gene: AIRE (autoimmune regulator; plus strand). Cytogenetic location: 21q22.3.
Variant type: Microsatellite.
Coding change: c.966_969dup on transcript NM_000383.4 (MANE Select); coding-DNA positions 966 to 969, 4 bases duplicated (CCTG; older notation c.966_969dupCCTG).
Protein change: p.Ser324fs; shifts the reading frame from serine 324.
Molecular consequence: frameshift variant.
Genome position (GRCh38, 1-based): chr21:44,291,181-44,291,184, CCTG duplicated; duplicating any 4 consecutive bases within chr21:44,291,176-44,291,184 gives the same sequence; the c. name uses the placement nearest the transcript's 3' end. VCF-style (leftmost placement, unchanged base first): chr21-44291175-G-GGCCT. GRCh37 (hg19) VCF-style: chr21-45711058-G-GGCCT.
Other names: short protein forms S324fs.
Identifiers: ClinVar variation 5014885 (VCV005014885.1).

ClinVar aggregate classification (germline): Pathogenic (1 of 4 stars; one submission).

Conditions:
Polyglandular autoimmune syndrome, type 1 (APS1). Also called: AUTOIMMUNE POLYENDOCRINE SYNDROME, TYPE I, WITH OR WITHOUT REVERSIBLE METAPHYSEAL DYSPLASIA; APS I; HYPOADRENOCORTICISM WITH HYPOPARATHYROIDISM AND SUPERFICIAL MONILIASIS; PGA I; Autoimmune polyendocrine syndrome type 1; Whitaker syndrome. Identifiers: Orphanet 3453, MedGen C0085859, MONDO:0009411, OMIM 240300.

Submission:

Myriad Genetics, Inc.
Classification: Pathogenic for Polyglandular autoimmune syndrome, type 1. Last evaluated: 2023-10-05. Review status: criteria provided, single submitter. Criteria: Myriad Autosomal Dominant, Autosomal Recessive and X-Linked Classification Criteria (2023). Collection method: clinical testing. Allele origin: unknown.
Comment: NM_000383.3(AIRE):c.966_969dupCCTG(S324Pfs*49) is expected to be pathogenic in the context of autoimmune polyglandular syndrome type 1. This variant is predicted to lead to an abnormal or absent protein product due to the creation of a premature termination codon in AIRE, a gene where loss-of-function variants are known to be pathogenic. Please note: this variant was assessed in the context of healthy population screening.